The following is an entry in ClinVar:

NM_001367624.2(ZNF469):c.9838A>C (p.Ser3280Arg)

Gene: ZNF469 (zinc finger protein 469; plus strand). Cytogenetic location: 16q24.2.
Variant type: single nucleotide variant.
Coding change: c.9838A>C on transcript NM_001367624.2 (MANE Select); coding-DNA position 9838, A replaced by C.
Protein change: p.Ser3280Arg; replaces serine 3280 with arginine.
Molecular consequence: missense variant.
Genome position (GRCh38, 1-based): chr16:88,437,308, A>C. VCF-style: chr16-88437308-A-C. GRCh37 (hg19) VCF-style: chr16-88503716-A-C.
Other names: NM_001127464.1:c.9754A>C; short protein forms S3280R.
Identifiers: ClinVar variation 1768085 (VCV001768085.2), dbSNP rs2142314707, ClinGen allele CA397124836.

ClinVar aggregate classification (germline): Uncertain significance (1 of 4 stars; one submission).

Conditions:
Cardiovascular phenotype. Identifiers: MedGen CN230736.

Submission:

Ambry Genetics
Classification: Uncertain significance for Cardiovascular phenotype. Last evaluated: 2021-11-19. Review status: criteria provided, single submitter. Criteria: Ambry Variant Classification Scheme 2023. Collection method: clinical testing. Allele origin: germline.
Comment: The p.S3252R variant (also known as c.9754A>C), located in coding exon 2 of the ZNF469 gene, results from an A to C substitution at nucleotide position 9754. The serine at codon 3252 is replaced by arginine, an amino acid with dissimilar properties. This amino acid position is conserved. In addition, this alteration is predicted to be tolerated by in silico analysis. Since supporting evidence is limited at this time, the clinical significance of this alteration remains unclear.